The following is an entry in ClinVar:

ClinVar aggregate classification (germline): Uncertain significance. Review status: criteria provided, multiple submitters, no conflicts (2 of 4 stars). 2 submissions from 2 submitters: Uncertain significance (2). Last evaluated 2025-03-07.

Conditions:
Inborn genetic diseases. Identifiers: MedGen C0950123, MeSH D030342.

Allele frequency attached by ClinVar (database versions not stated): ExAC 0.00001; gnomAD 0.00001; TOPMed 0.00001.
gnomAD v4.1: 23 of 1,613,848 alleles (0.0014%); highest among the groups gnomAD compares: East Asian, 0.0022%; no homozygotes.

Submissions (2):

Ambry Genetics
Classification: Uncertain significance for Inborn genetic diseases. Last evaluated: 2025-03-07. Review status: criteria provided, single submitter. Criteria: Ambry Variant Classification Scheme 2023. Collection method: clinical testing. Allele origin: germline.

Labcorp Genetics (formerly Invitae), Labcorp
Classification: Uncertain significance. Last evaluated: 2024-07-17. Review status: criteria provided, single submitter. Criteria: Invitae Variant Classification Sherloc (09022015). Collection method: clinical testing. Allele origin: germline.
Comment: This sequence change replaces arginine, which is basic and polar, with glutamine, which is neutral and polar, at codon 1058 of the SLC12A6 protein (p.Arg1058Gln). This variant is present in population databases (rs781067235, gnomAD 0.003%). This variant has not been reported in the literature in individuals affected with SLC12A6-related conditions. ClinVar contains an entry for this variant (Variation ID: 1990677). Advanced modeling of protein sequence and biophysical properties (such as structural, functional, and spatial information, amino acid conservation, physicochemical variation, residue mobility, and thermodynamic stability) performed at Invitae indicates that this missense variant is not expected to disrupt SLC12A6 protein function with a negative predictive value of 95%. In summary, the available evidence is currently insufficient to determine the role of this variant in disease. Therefore, it has been classified as a Variant of Uncertain Significance.

NM_001365088.1(SLC12A6):c.3173G>A (p.Arg1058Gln)

Gene: SLC12A6 (solute carrier family 12 member 6; minus strand). Cytogenetic location: 15q14.
Variant type: single nucleotide variant.
Coding change: c.3173G>A on transcript NM_001365088.1 (MANE Select); coding-DNA position 3173, G replaced by A.
Protein change: p.Arg1058Gln; replaces arginine 1058 with glutamine.
Molecular consequence: missense variant.
Genome position (GRCh38, 1-based): chr15:34,236,069, C>T on the plus strand (G>A on the coding strand, the complement: SLC12A6 is on the minus strand). VCF-style: chr15-34236069-C-T. GRCh37 (hg19) VCF-style: chr15-34528270-C-T.
Other names: c.2996G>A, p.Arg999Gln (NM_001042494.2, NM_001042495.2); c.3146G>A, p.Arg1049Gln (NM_001042496.2); c.3128G>A, p.Arg1043Gln (NM_001042497.2); c.3020G>A, p.Arg1007Gln (NM_005135.2); c.3173G>A, p.Arg1058Gln (NM_133647.2); short protein forms R1007Q, R1058Q, R1043Q, R1049Q, R999Q.
Identifiers: ClinVar variation 1990677 (VCV001990677.4), dbSNP rs781067235, ClinGen allele CA7463911.